The following is an entry in ClinVar:

NM_030973.4(MED25):c.740del (p.Leu247fs)

Gene: MED25 (mediator complex subunit 25; plus strand). Cytogenetic location: 19q13.33.
Variant type: Deletion.
Coding change: c.740del on transcript NM_030973.4 (MANE Select); coding-DNA position 740, one base deleted (T; older notation c.740delT).
Protein change: p.Leu247fs; shifts the reading frame from leucine 247.
Molecular consequence: frameshift variant.
Genome position (GRCh38, 1-based): chr19:49,830,139, T deleted. VCF-style (leftmost placement, unchanged base first): chr19-49830138-CT-C. GRCh37 (hg19) VCF-style: chr19-50333395-CT-C.
Other names: c.740del, p.Leu247fs (NM_001378355.1); short protein forms L247fs.
Identifiers: ClinVar variation 1004653 (VCV001004653.7), dbSNP rs2074044055, ClinGen allele CA2340605002.

ClinVar aggregate classification (germline): Conflicting classifications of pathogenicity. Review status: criteria provided, conflicting classifications (1 of 4 stars). 2 submissions from 2 submitters: Likely pathogenic (1); Uncertain significance (1). Last evaluated 2022-07-12.

Conditions:
Congenital cataract-microcephaly-nevus flammeus simplex-severe intellectual disability syndrome. Also called: Basel-Vanagaite-Smirin-Yosef syndrome. Identifiers: Orphanet 464738, MedGen C4225323, MONDO:0014643, OMIM 616449.
Charcot-Marie-Tooth disease type 2. Also called: Charcot-Marie-Tooth type 2. Identifiers: Orphanet 64746, MedGen C0270914, MONDO:0018993.

Submissions (2):

Laboratorio de Genetica e Diagnostico Molecular, Hospital Israelita Albert Einstein
Classification: Likely pathogenic for Congenital cataract-microcephaly-nevus flammeus simplex-severe intellectual disability syndrome. Last evaluated: 2022-07-12. Review status: criteria provided, single submitter. Criteria: ACMG Guidelines, 2015. Collection method: clinical testing. Allele origin: germline. Affected: yes. Observed: 1 variant allele.
Comment: ACMG classification criteria: PVS1 very strong, PM2 moderated

Labcorp Genetics (formerly Invitae), Labcorp
Classification: Uncertain significance for Charcot-Marie-Tooth disease type 2. Last evaluated: 2020-02-27. Review status: criteria provided, single submitter. Criteria: Invitae Variant Classification Sherloc (09022015). Collection method: clinical testing. Allele origin: germline.
Comment: This sequence change creates a premature translational stop signal (p.Leu247Argfs*32) in the MED25 gene. It is expected to result in an absent or disrupted protein product. This variant is not present in population databases (ExAC no frequency). This variant has not been reported in the literature in individuals with MED25-related conditions. The current clinical and genetic evidence is not sufficient to establish whether loss-of-function variants in MED25 cause disease. In summary, the available evidence is currently insufficient to determine the role of this variant in disease. Therefore, it has been classified as a Variant of Uncertain Significance.